The following is an entry in ClinVar:

NM_053025.4(MYLK):c.1367G>T (p.Arg456Ile)

Gene: MYLK (myosin light chain kinase; minus strand). Cytogenetic location: 3q21.1.
Variant type: single nucleotide variant.
Coding change: c.1367G>T on transcript NM_053025.4 (MANE Select); coding-DNA position 1367, G replaced by T.
Protein change: p.Arg456Ile; replaces arginine 456 with isoleucine.
Molecular consequence: missense variant. On other transcripts: intron variant (2).
Genome position (GRCh38, 1-based): chr3:123,733,045, C>A on the plus strand (G>T on the coding strand, the complement: MYLK is on the minus strand). VCF-style: chr3-123733045-C-A. GRCh37 (hg19) VCF-style: chr3-123451892-C-A.
Other names: c.839G>T, p.Arg280Ile (NM_001321309.2); c.1367G>T, p.Arg456Ile (NM_053027.4); c.1309+642G>T (NM_053028.4, NM_053026.4); short protein forms R280I, R456I.
Identifiers: ClinVar variation 3606051 (VCV003606051.2).

ClinVar aggregate classification (germline): Uncertain significance (1 of 4 stars; one submission).

Conditions:
Aortic aneurysm, familial thoracic 7 (AAT7). Also called: AORTIC DISSECTION, FAMILIAL, WITH OR WITHOUT AORTIC ANEURYSM. Identifiers: MedGen C3151077, MONDO:0013418, OMIM 613780.

gnomAD v4.1: 2 of 1,614,158 alleles (0.00012%); highest among the groups gnomAD compares: Non-Finnish European, 0.00017%; no homozygotes.

Submission:

Labcorp Genetics (formerly Invitae), Labcorp
Classification: Uncertain significance for Aortic aneurysm, familial thoracic 7. Last evaluated: 2024-04-15. Review status: criteria provided, single submitter. Criteria: Invitae Variant Classification Sherloc (09022015). Collection method: clinical testing. Allele origin: germline.
Comment: This sequence change replaces arginine, which is basic and polar, with isoleucine, which is neutral and non-polar, at codon 456 of the MYLK protein (p.Arg456Ile). This variant is present in population databases (rs781619913, gnomAD 0.002%). This variant has not been reported in the literature in individuals affected with MYLK-related conditions. Advanced modeling of protein sequence and biophysical properties (such as structural, functional, and spatial information, amino acid conservation, physicochemical variation, residue mobility, and thermodynamic stability) performed at Invitae indicates that this missense variant is not expected to disrupt MYLK protein function with a negative predictive value of 95%. In summary, the available evidence is currently insufficient to determine the role of this variant in disease. Therefore, it has been classified as a Variant of Uncertain Significance.